The following is an entry in ClinVar:

ClinVar aggregate classification (germline): Uncertain significance. Review status: criteria provided, multiple submitters, no conflicts (2 of 4 stars). 2 submissions from 2 submitters: Uncertain significance (2). Last evaluated 2023-06-05.

Conditions:
Intellectual developmental disorder, autosomal recessive 6. Also called: Intellectual disability, autosomal recessive 6. Identifiers: Orphanet 88616, MedGen C1970198, MONDO:0012614, OMIM 611092.

Allele frequency attached by ClinVar (database versions not stated): gnomAD 0.00003 and 0.00004; TOPMed 0.00022; gnomAD exomes 0.00033 and 0.00007; ExAC 0.00045.
gnomAD v4.1: 99 of 1,593,370 alleles (0.0062%); highest among the groups gnomAD compares: Admixed American, 0.17%; 1 homozygote.

Submissions (2):

GeneDx
Classification: Uncertain significance. Last evaluated: 2023-06-05. Review status: criteria provided, single submitter. Criteria: GeneDx Variant Classification Process June 2021. Collection method: clinical testing. Allele origin: germline. Affected: yes.
Comment: In silico analysis supports that this missense variant does not alter protein structure/function; Has not been previously published as pathogenic or benign to our knowledge

Baylor Genetics
Classification: Uncertain significance for Intellectual developmental disorder, autosomal recessive 6. Last evaluated: 2018-10-15. Review status: criteria provided, single submitter. Criteria: ACMG Guidelines, 2015. Collection method: clinical testing. Allele origin: maternal. Affected: yes.
Comment: This variant was determined to be of uncertain significance according to ACMG Guidelines, 2015 [PMID:25741868].

NM_021956.5(GRIK2):c.1138A>T (p.Thr380Ser)

Gene: GRIK2 (glutamate ionotropic receptor kainate type subunit 2; plus strand). Cytogenetic location: 6q16.3.
Variant type: single nucleotide variant.
Coding change: c.1138A>T on transcript NM_021956.5 (MANE Select); coding-DNA position 1138, A replaced by T.
Protein change: p.Thr380Ser; replaces threonine 380 with serine.
Molecular consequence: missense variant.
Genome position (GRCh38, 1-based): chr6:101,802,373, A>T. VCF-style: chr6-101802373-A-T. GRCh37 (hg19) VCF-style: chr6-102250248-A-T.
Other names: c.1138A>T (NM_021956.3); c.1138A>T, p.Thr380Ser (NM_001166247.1, NM_175768.3); short protein forms T380S.
Identifiers: ClinVar variation 1033988 (VCV001033988.2), dbSNP rs555425016, ClinGen allele CA3939515.